The following is an entry in ClinVar:

ClinVar aggregate classification (germline): Conflicting classifications of pathogenicity. Review status: criteria provided, conflicting classifications (1 of 4 stars). 9 submissions from 9 submitters: Uncertain significance (2); Likely benign (5). 2 of the submissions do not count toward it. Last evaluated 2026-01-28.

Conditions:
GAA-related disorder. Also called: GAA-related condition.
Glycogen storage disease, type II (IOPD). Also called: POMPE DISEASE, INFANTILE-ONSET; GLYCOGEN STORAGE DISEASE II, INFANTILE-ONSET; ACID ALPHA-GLUCOSIDASE DEFICIENCY, INFANTILE-ONSET; GAA DEFICIENCY, INFANTILE-ONSET; ACID MALTASE DEFICIENCY, INFANTILE-ONSET; Glucosidase acid-1,4-alpha deficiency. Identifiers: Orphanet 365, MedGen C0017921, MONDO:0009290, OMIM 232300.

Allele frequency attached by ClinVar (database versions not stated): gnomAD exomes 0.00022; ExAC 0.00025; gnomAD 0.00051 and 0.00056; ESP Exome Variant Server 0.00054; TOPMed 0.00070; 1000 Genomes Project 30x 0.00141; 1000 Genomes Project 0.00160.
gnomAD v4.1: 166 of 1,613,144 alleles (0.01%); highest among the groups gnomAD compares: African/African-American, 0.16%; no homozygotes.

Submissions (9):

Labcorp Genetics (formerly Invitae), Labcorp
Classification: Likely benign for Glycogen storage disease, type II. Last evaluated: 2026-01-28. Review status: criteria provided, single submitter. Criteria: Invitae Variant Classification Sherloc (09022015). Collection method: clinical testing. Allele origin: germline.

Mayo Clinic Laboratories, Mayo Clinic
Classification: Likely benign. Last evaluated: 2025-11-16. Review status: criteria provided, single submitter. Criteria: ACMG Guidelines, 2015. Collection method: clinical testing. Allele origin: germline. Observed: 1 variant allele.
Comment: BS1, BP4, BP7

Revvity Omics, Revvity
Classification: Uncertain significance. Last evaluated: 2025-03-19. Review status: criteria provided, single submitter. Criteria: ACMG Guidelines, 2015. Collection method: clinical testing. Allele origin: germline.

Blueprint Genetics
Classification: Likely benign. Last evaluated: 2023-11-09. Review status: criteria provided, single submitter. Criteria: ACMG Guidelines, 2015. Collection method: clinical testing. Allele origin: germline.

Broad Center for Mendelian Genomics, Broad Institute of MIT and Harvard
Classification: Likely benign for Glycogen storage disease, type II. Last evaluated: 2020-01-22. Review status: criteria provided, single submitter. Criteria: ACMG Guidelines, 2015. Collection method: curation. Allele origin: germline. Inheritance: Autosomal recessive inheritance.
Comment: The c.1438-9G>A variant in GAA has not been previously reported in individuals with Glycogen Storage Disease II but has been reported as a VUS by EGL Genetic Diagnostics and a likely benign variant by Invitae and GeneDx in ClinVar (Variation ID: 456379). This variant has been identified in 0.213% (53/24882) of African chromosomes and 0.035% (7/19946) of East Asian chromosomes by the Genome Aggregation Database (gnomAD; dbSNP rs202211401). Although this variant has been seen in the general population, its frequency is not high enough to rule out a pathogenic role. Computational prediction tools and conservation analyses suggest that this variant may not impact the protein, though this information is not predictive enough to rule out pathogenicity. However, novel synonymous variants supported by computational evidence without raised suspicion for an impact are likely benign (Richards 2015). In summary, although additional studies are required to fully establish its clinical significance, this variant is likely benign. ACMG/AMP Criteria applied: BP4, BP7 (Richards 2015).

GeneDx
Classification: Likely benign. Last evaluated: 2017-09-06. Review status: criteria provided, single submitter. Criteria: GeneDx Variant Classification (06012015). Collection method: clinical testing. Allele origin: germline. Affected: yes.
Comment: This variant is considered likely benign or benign based on one or more of the following criteria: it is a conservative change, it occurs at a poorly conserved position in the protein, it is predicted to be benign by multiple in silico algorithms, and/or has population frequency not consistent with disease.

Eurofins Ntd Llc (ga)
Classification: Uncertain significance. Last evaluated: 2017-05-02. Review status: criteria provided, single submitter. Criteria: EGL Classification Definitions 2015. Collection method: clinical testing. Allele origin: germline. Observed: 1 variant allele, 1 heterozygote.

PreventionGenetics, part of Exact Sciences
Classification: Likely benign for GAA-related condition. Last evaluated: 2020-11-18. Review status: no assertion criteria provided. Collection method: clinical testing. Allele origin: germline. Not counted in ClinVar's aggregate classification.
Comment: This variant is classified as likely benign based on ACMG/AMP sequence variant interpretation guidelines (Richards et al. 2015 PMID: 25741868, with internal and published modifications).

Natera, Inc.
Classification: Likely benign for Glycogen storage disease type II. Last evaluated: 2020-09-16. Review status: no assertion criteria provided. Collection method: clinical testing. Allele origin: germline. Not counted in ClinVar's aggregate classification.

NM_000152.5(GAA):c.1438-9G>A

Gene: GAA (alpha glucosidase; plus strand). Cytogenetic location: 17q25.3.
Variant type: single nucleotide variant.
Coding change: c.1438-9G>A on transcript NM_000152.5 (MANE Select); 9 bases into the intron before coding-DNA position 1438, G replaced by A.
Molecular consequence: intron variant.
Genome position (GRCh38, 1-based): chr17:80,110,718, G>A. VCF-style: chr17-80110718-G-A. GRCh37 (hg19) VCF-style: chr17-78084517-G-A.
Other names: p.?; c.1438-9G>A (NM_001079803.3, NM_001079804.3, LRG_673t1 and 1 more transcripts).
Identifiers: ClinVar variation 456379 (VCV000456379.24), dbSNP rs202211401, ClinGen allele CA8815345.